The following is an entry in ClinVar:

NM_002890.3(RASA1):c.1240C>T (p.Arg414Trp)

Genes: CCNH (cyclin H; minus strand), RASA1 (RAS p21 protein activator 1; plus strand). Cytogenetic location: 5q14.3.
Variant type: single nucleotide variant.
Coding change: c.1240C>T on transcript NM_002890.3 (MANE Select); coding-DNA position 1240, C replaced by T.
Protein change: p.Arg414Trp; replaces arginine 414 with tryptophan.
Molecular consequence: missense variant. On other transcripts: intron variant (1).
Genome position (GRCh38, 1-based): chr5:87,349,351, C>T. VCF-style: chr5-87349351-C-T. GRCh37 (hg19) VCF-style: chr5-86645168-C-T.
Other names: c.709C>T, p.Arg237Trp (NM_022650.3); c.934-36556G>A (NM_001364075.2); short protein forms R237W, R414W.
Identifiers: ClinVar variation 3430465 (VCV003430465.1).

ClinVar aggregate classification (germline): Uncertain significance (1 of 4 stars; one submission).

Conditions:
Cardiovascular phenotype. Identifiers: MedGen CN230736.

gnomAD v4.1: 2 of 1,611,284 alleles (0.00012%); highest among the groups gnomAD compares: Non-Finnish European, 0.000085%; no homozygotes.

Submission:

Ambry Genetics
Classification: Uncertain significance for Cardiovascular phenotype. Last evaluated: 2024-11-17. Review status: criteria provided, single submitter. Criteria: Ambry Variant Classification Scheme 2023. Collection method: clinical testing. Allele origin: germline.
Comment: The p.R414W variant (also known as c.1240C>T), located in coding exon 8 of the RASA1 gene, results from a C to T substitution at nucleotide position 1240. The arginine at codon 414 is replaced by tryptophan, an amino acid with dissimilar properties. This amino acid position is conserved. In addition, this alteration is predicted to be deleterious by in silico analysis. Based on the available evidence, the clinical significance of this variant remains unclear.